The following is an entry in ClinVar:

ClinVar aggregate classification (germline): Uncertain significance (1 of 4 stars; one submission).

gnomAD v4.1: 2 of 1,468,108 alleles (0.00014%); highest among the groups gnomAD compares: Admixed American, 0.0048%; no homozygotes.

Submission:

Labcorp Genetics (formerly Invitae), Labcorp
Classification: Uncertain significance. Last evaluated: 2025-07-21. Review status: criteria provided, single submitter. Criteria: Invitae Variant Classification Sherloc (09022015). Collection method: clinical testing. Allele origin: germline.
Comment: This sequence change replaces leucine, which is neutral and non-polar, with proline, which is neutral and non-polar, at codon 107 of the GRIN2D protein (p.Leu107Pro). The frequency data for this variant in the population databases is considered unreliable, as metrics indicate poor data quality at this position in the gnomAD database. This variant has not been reported in the literature in individuals affected with GRIN2D-related conditions. ClinVar contains an entry for this variant (Variation ID: 3700114). Invitae Evidence Modeling of protein sequence and biophysical properties (such as structural, functional, and spatial information, amino acid conservation, physicochemical variation, residue mobility, and thermodynamic stability) indicates that this missense variant is not expected to disrupt GRIN2D protein function with a negative predictive value of 80%. In summary, the available evidence is currently insufficient to determine the role of this variant in disease. Therefore, it has been classified as a Variant of Uncertain Significance.

NM_000836.4(GRIN2D):c.320T>C (p.Leu107Pro)

Gene: GRIN2D (glutamate ionotropic receptor NMDA type subunit 2D; plus strand). Cytogenetic location: 19q13.33.
Variant type: single nucleotide variant.
Coding change: c.320T>C on transcript NM_000836.4 (MANE Select); coding-DNA position 320, T replaced by C.
Protein change: p.Leu107Pro; replaces leucine 107 with proline.
Molecular consequence: missense variant.
Genome position (GRCh38, 1-based): chr19:48,398,712, T>C. VCF-style: chr19-48398712-T-C. GRCh37 (hg19) VCF-style: chr19-48901969-T-C.
Other names: short protein forms L107P.
Identifiers: ClinVar variation 3700114 (VCV003700114.2).
Genomic context (GRCh38, chr19:48,398,712, plus strand): 5'-TGGCGCTGGTGCTCAACGGCTCGGACCCGCGCAGCCTCGTGCTGCAGCTCTGCGACCTGC[T>C]GTCGGGGTTGCGCGTGCACGGCGTGGTCTTCGAAGACGACTCGCGCGCGCCCGCCGTCGC-3'
Protein context (NP_000827.2, residues 97-117): RSLVLQLCDL[Leu107Pro]SGLRVHGVVF